The following is an entry in ClinVar:

ClinVar aggregate classification (germline): Uncertain significance (1 of 4 stars; one submission).

Allele frequency attached by ClinVar (database versions not stated): ExAC 0.00001; gnomAD 0.00001; TOPMed 0.00001; gnomAD exomes 0.00002.
gnomAD v4.1: 28 of 1,613,272 alleles (0.0017%); highest among the groups gnomAD compares: Non-Finnish European, 0.0024%; no homozygotes.

Submission:

Labcorp Genetics (formerly Invitae), Labcorp
Classification: Uncertain significance. Last evaluated: 2025-01-29. Review status: criteria provided, single submitter. Criteria: Invitae Variant Classification Sherloc (09022015). Collection method: clinical testing. Allele origin: germline.
Comment: This sequence change replaces glutamic acid, which is acidic and polar, with glutamine, which is neutral and polar, at codon 646 of the HK1 protein (p.Glu646Gln). This variant is present in population databases (rs762005892, gnomAD 0.002%). This variant has not been reported in the literature in individuals affected with HK1-related conditions. ClinVar contains an entry for this variant (Variation ID: 2723452). An algorithm developed to predict the effect of missense changes on protein structure and function (PolyPhen-2) suggests that this variant is likely to be tolerated. In summary, the available evidence is currently insufficient to determine the role of this variant in disease. Therefore, it has been classified as a Variant of Uncertain Significance.

NM_000188.3(HK1):c.1936G>C (p.Glu646Gln)

Gene: HK1 (hexokinase 1; plus strand). Cytogenetic location: 10q22.1.
Variant type: single nucleotide variant.
Coding change: c.1936G>C on transcript NM_000188.3 (MANE Select); coding-DNA position 1936, G replaced by C.
Protein change: p.Glu646Gln; replaces glutamic acid 646 with glutamine.
Molecular consequence: missense variant.
Genome position (GRCh38, 1-based): chr10:69,389,197, G>C. VCF-style: chr10-69389197-G-C. GRCh37 (hg19) VCF-style: chr10-71148953-G-C.
Other names: c.1948G>C, p.Glu650Gln (NM_033497.3, NM_033498.3, NM_001322364.2 and 1 more transcripts); c.1900G>C, p.Glu634Gln (NM_033500.2); c.2041G>C, p.Glu681Gln (NM_001322365.2); c.1852G>C, p.Glu618Gln (NM_001322366.1); c.1840G>C, p.Glu614Gln (NM_001322367.1); c.1933G>C, p.Glu645Gln (NM_033496.3); short protein forms E618Q, E645Q, E681Q, E614Q, E650Q, E634Q, E646Q.
Identifiers: ClinVar variation 2723452 (VCV002723452.3), dbSNP rs762005892, ClinGen allele CA5532738.